The following is an entry in ClinVar:

NM_198428.3(BBS9):c.2363C>T (p.Ser788Phe)

Gene: BBS9 (Bardet-Biedl syndrome 9; plus strand). Cytogenetic location: 7p14.3.
Variant type: single nucleotide variant.
Coding change: c.2363C>T on transcript NM_198428.3 (MANE Select); coding-DNA position 2363, C replaced by T.
Protein change: p.Ser788Phe; replaces serine 788 with phenylalanine.
Molecular consequence: missense variant. On other transcripts: non-coding transcript variant (3).
Genome position (GRCh38, 1-based): chr7:33,534,018, C>T. VCF-style: chr7-33534018-C-T. GRCh37 (hg19) VCF-style: chr7-33573630-C-T.
Other names: c.2258C>T, p.Ser753Phe (NM_001033604.2); c.2348C>T, p.Ser783Phe (NM_001033605.2); c.2363C>T, p.Ser788Phe (NM_001348036.1, NM_001348041.4, NM_001348043.3 and 1 more transcripts); c.1814C>T, p.Ser605Phe (NM_001348037.3); c.2090C>T, p.Ser697Phe (NM_001348038.3); c.1985C>T, p.Ser662Phe (NM_001348039.3); c.2243C>T, p.Ser748Phe (NM_001348040.3, NM_014451.4); c.2228C>T, p.Ser743Phe (NM_001348042.3); and 2 more; short protein forms S788F, S666F, S748F, S605F, S631F, S662F, S697F, S743F.
Identifiers: ClinVar variation 195632 (VCV000195632.63), dbSNP rs61753526, ClinGen allele CA242114.

ClinVar aggregate classification (germline): Conflicting classifications of pathogenicity. Review status: criteria provided, conflicting classifications (1 of 4 stars). 8 submissions from 8 submitters: Uncertain significance (4); Likely benign (4). Last evaluated 2026-02-02.

Conditions:
Bardet-Biedl syndrome (BBS). Identifiers: Orphanet 110, MedGen C0752166, MONDO:0015229.
Bardet-Biedl syndrome 9 (BBS9). Identifiers: Orphanet 110, MedGen C1859567, MONDO:0014437, OMIM 615986.

Allele frequency attached by ClinVar (database versions not stated): gnomAD exomes 0.00063 and 0.00079; ExAC 0.00069; ESP Exome Variant Server 0.00123; 1000 Genomes Project 30x 0.00016; 1000 Genomes Project 0.00020; gnomAD 0.00051 and 0.00053; TOPMed 0.00051.
gnomAD v4.1: 1,226 of 1,614,206 alleles (0.076%); highest among the groups gnomAD compares: Non-Finnish European, 0.082%; 1 homozygote.

Submissions (8):

Labcorp Genetics (formerly Invitae), Labcorp
Classification: Likely benign for Bardet-Biedl syndrome. Last evaluated: 2026-02-02. Review status: criteria provided, single submitter. Criteria: Invitae Variant Classification Sherloc (09022015). Collection method: clinical testing. Allele origin: germline.

Blueprint Genetics
Classification: Likely benign. Last evaluated: 2024-11-11. Review status: criteria provided, single submitter. Criteria: ACMG Guidelines, 2015. Collection method: clinical testing. Allele origin: germline.

GeneDx
Classification: Uncertain significance. Last evaluated: 2024-07-23. Review status: criteria provided, single submitter. Criteria: GeneDx Variant Classification Process June 2021. Collection method: clinical testing. Allele origin: germline. Affected: yes.
Comment: Identified as heterozygous in a patient with retinitis pigmentosa who also harbored a homozygous variant in the C2orf71 gene (PMID: 27353947); In silico analysis supports that this missense variant has a deleterious effect on protein structure/function; This variant is associated with the following publications: (PMID: 27353947)

CeGaT Center for Human Genetics Tuebingen
Classification: Uncertain significance. Last evaluated: 2021-05-01. Review status: criteria provided, single submitter. Criteria: CeGaT Center For Human Genetics Tuebingen Variant Classification Criteria Version 2. Collection method: clinical testing. Allele origin: germline. Affected: yes. Observed: 1 variant allele.

Illumina Laboratory Services, Illumina
Classification: Likely benign for Bardet-Biedl syndrome 9. Last evaluated: 2017-04-27. Review status: criteria provided, single submitter. Criteria: ICSL Variant Classification Criteria 13 December 2019. Collection method: clinical testing. Allele origin: germline.
Comment: This variant was observed as part of a predisposition screen in an ostensibly healthy population. A literature search was performed for the gene, cDNA change, and amino acid change (where applicable). No publications were found based on this search. Allele frequency data from public databases allowed determination this variant is unlikely to cause disease. Therefore, this variant is classified as likely benign.

Genetic Services Laboratory, University of Chicago
Classification: Uncertain significance. Last evaluated: 2017-01-09. Review status: criteria provided, single submitter. Criteria: ACMG Guidelines, 2015. Collection method: clinical testing. Allele origin: germline. Affected: no.

Eurofins Ntd Llc (ga)
Classification: Uncertain significance. Last evaluated: 2014-06-13. Review status: criteria provided, single submitter. Criteria: EGL Classification Definitions 2015. Collection method: clinical testing. Allele origin: germline. Observed: 1 variant allele, 1 heterozygote.

PreventionGenetics, part of Exact Sciences
Classification: Likely benign. Review status: criteria provided, single submitter. Criteria: ACMG Guidelines, 2015. Collection method: clinical testing. Allele origin: germline.